The following is an entry in ClinVar:

ClinVar aggregate classification (germline): Uncertain significance (1 of 4 stars; one submission).

Submission:

GeneDx
Classification: Uncertain significance. Last evaluated: 2022-06-10. Review status: criteria provided, single submitter. Criteria: GeneDx Variant Classification Process June 2021. Collection method: clinical testing. Allele origin: germline. Affected: yes.
Comment: Not observed at significant frequency in large population cohorts (gnomAD); In silico analysis supports that this missense variant does not alter protein structure/function; Has not been previously published as pathogenic or benign to our knowledge

NM_002968.3(SALL1):c.1732A>G (p.Ile578Val)

Gene: SALL1 (spalt like transcription factor 1; minus strand). Cytogenetic location: 16q12.1.
Variant type: single nucleotide variant.
Coding change: c.1732A>G on transcript NM_002968.3 (MANE Select); coding-DNA position 1732, A replaced by G.
Protein change: p.Ile578Val; replaces isoleucine 578 with valine.
Molecular consequence: missense variant.
Genome position (GRCh38, 1-based): chr16:51,140,490, T>C on the plus strand (A>G on the coding strand, the complement: SALL1 is on the minus strand). VCF-style: chr16-51140490-T-C. GRCh37 (hg19) VCF-style: chr16-51174401-T-C.
Other names: c.1441A>G, p.Ile481Val (NM_001127892.2); short protein forms I481V, I578V.
Identifiers: ClinVar variation 1803596 (VCV001803596.1), dbSNP rs1962403692, ClinGen allele CA395887591.